The following is an entry in ClinVar:

ClinVar aggregate classification (germline): Uncertain significance (1 of 4 stars; one submission).

Allele frequency attached by ClinVar (database versions not stated): TOPMed below 0.00001; gnomAD 0.00001; gnomAD exomes 0.00001; ExAC 0.00002.
gnomAD v4.1: 11 of 1,612,644 alleles (0.00068%); highest among the groups gnomAD compares: Non-Finnish European, 0.00051%; no homozygotes.

Submission:

Labcorp Genetics (formerly Invitae), Labcorp
Classification: Uncertain significance. Last evaluated: 2022-03-31. Review status: criteria provided, single submitter. Criteria: Invitae Variant Classification Sherloc (09022015). Collection method: clinical testing. Allele origin: germline.
Comment: This variant is present in population databases (rs779563467, gnomAD 0.003%). This sequence change replaces serine, which is neutral and polar, with asparagine, which is neutral and polar, at codon 2127 of the HMCN1 protein (p.Ser2127Asn). This variant has not been reported in the literature in individuals affected with HMCN1-related conditions. In summary, the available evidence is currently insufficient to determine the role of this variant in disease. Therefore, it has been classified as a Variant of Uncertain Significance. Algorithms developed to predict the effect of missense changes on protein structure and function are either unavailable or do not agree on the potential impact of this missense change (SIFT: "Tolerated"; PolyPhen-2: "Probably Damaging"; Align-GVGD: "Class C0").

NM_031935.3(HMCN1):c.6380G>A (p.Ser2127Asn)

Gene: HMCN1 (hemicentin 1; plus strand). Cytogenetic location: 1q31.1.
Variant type: single nucleotide variant.
Coding change: c.6380G>A on transcript NM_031935.3 (MANE Select); coding-DNA position 6380, G replaced by A.
Protein change: p.Ser2127Asn; replaces serine 2127 with asparagine.
Molecular consequence: missense variant.
Genome position (GRCh38, 1-based): chr1:186,045,763, G>A. VCF-style: chr1-186045763-G-A. GRCh37 (hg19) VCF-style: chr1-186014895-G-A.
Other names: short protein forms S2127N.
Identifiers: ClinVar variation 1928170 (VCV001928170.5), dbSNP rs779563467, ClinGen allele CA1292556.
Genomic context (GRCh38, chr1:186,045,763, plus strand): 5'-TGGGAGAAGAACAGAATGTCTCTGTCCTCATTAGCCAAGCTGTGGAATTACTATGTCAAA[G>A]TGATGCTATTCCCCCACCTACTCTTACTTGGTTAAAAGACGGCCACCCCTTGCTGAAGAA-3'
Protein context (NP_114141.2, residues 2117-2137): ISQAVELLCQ[Ser2127Asn]DAIPPPTLTW